The following is an entry in ClinVar:

ClinVar aggregate classification (germline): Likely benign (1 of 4 stars; one submission).

Allele frequency attached by ClinVar (database versions not stated): TOPMed 0.00006; gnomAD 0.00009 and 0.00010; gnomAD exomes 0.00010; 1000 Genomes Project 30x 0.00016; 1000 Genomes Project 0.00020.
gnomAD v4.1: 41 of 415,284 alleles (0.0099%); highest among the groups gnomAD compares: Middle Eastern, 0.18%; no homozygotes.

Submission:

GeneDx
Classification: Likely benign. Last evaluated: 2016-03-03. Review status: criteria provided, single submitter. Criteria: GeneDx Variant Classification (06012015). Collection method: clinical testing. Allele origin: germline. Affected: yes.
Comment: This variant is considered likely benign or benign based on one or more of the following criteria: it is a conservative change, it occurs at a poorly conserved position in the protein, it is predicted to be benign by multiple in silico algorithms, and/or has population frequency not consistent with disease.

NM_002230.4(JUP):c.*312G>A

Gene: JUP (junction plakoglobin; minus strand). Cytogenetic location: 17q21.2.
Variant type: single nucleotide variant.
Coding change: c.*312G>A on transcript NM_002230.4 (MANE Select); 312 bases downstream of the stop codon, G replaced by A.
Molecular consequence: 3 prime UTR variant.
Genome position (GRCh38, 1-based): chr17:41,755,432, C>T on the plus strand (G>A on the coding strand, the complement: JUP is on the minus strand). VCF-style: chr17-41755432-C-T. GRCh37 (hg19) VCF-style: chr17-39911684-C-T.
Other names: c.*312G>A (NM_001352773.2); c.*15G>A (NM_001352774.2, NM_001352775.2, NM_001352776.2 and 2 more transcripts).
Identifiers: ClinVar variation 384420 (VCV000384420.1), dbSNP rs552155645, ClinGen allele CA16607219.
Genomic context (GRCh38, chr17:41,755,432, plus strand): 5'-AGGCACTTTTCTGTCTTGCCCCATCGCCTGCACGGAGAGCCTCTCAGATGAGGAACCGCA[C>T]CTGTTAGGGGAGCGGGGACAGACAGGGGTCAGGGGCTCGGTGGACCTGCATCCCCAGAAG-3'